The following is an entry in ClinVar:

NM_000489.6(ATRX):c.3383G>C (p.Arg1128Thr)

Gene: ATRX (ATRX chromatin remodeler; minus strand). Cytogenetic location: Xq21.1.
Variant type: single nucleotide variant.
Coding change: c.3383G>C on transcript NM_000489.6 (MANE Select); coding-DNA position 3383, G replaced by C.
Protein change: p.Arg1128Thr; replaces arginine 1128 with threonine.
Molecular consequence: missense variant.
Genome position (GRCh38, 1-based): chrX:77,681,873, C>G on the plus strand (G>C on the coding strand, the complement: ATRX is on the minus strand). VCF-style: chrX-77681873-C-G. GRCh37 (hg19) VCF-style: chrX-76937365-C-G.
Other names: c.3269G>C, p.Arg1090Thr (NM_138270.5); short protein forms R1090T, R1128T.
Identifiers: ClinVar variation 2778369 (VCV002778369.3), dbSNP rs2071221387, ClinGen allele CA413706677.

ClinVar aggregate classification (germline): Uncertain significance (1 of 4 stars; one submission).

Conditions:
Alpha thalassemia-X-linked intellectual disability syndrome (ATRX). Also called: ALPHA-THALASSEMIA/MENTAL RETARDATION SYNDROME, X-LINKED; ATR, NONDELETION TYPE; ATR-X syndrome; Alpha thalassemia mental retardation syndrome, nondeletion type, X-linked; XLMR hypotonic face syndrome; X-linked alpha-thalassemia-mental retardation syndrome. Identifiers: Orphanet 847, MedGen C1845055, MONDO:0010519, OMIM 301040.

Submission:

Labcorp Genetics (formerly Invitae), Labcorp
Classification: Uncertain significance for Alpha thalassemia-X-linked intellectual disability syndrome. Last evaluated: 2023-12-11. Review status: criteria provided, single submitter. Criteria: Invitae Variant Classification Sherloc (09022015). Collection method: clinical testing. Allele origin: germline.
Comment: This sequence change replaces arginine, which is basic and polar, with threonine, which is neutral and polar, at codon 1128 of the ATRX protein (p.Arg1128Thr). This variant is not present in population databases (gnomAD no frequency). This variant has not been reported in the literature in individuals affected with ATRX-related conditions. Advanced modeling of protein sequence and biophysical properties (such as structural, functional, and spatial information, amino acid conservation, physicochemical variation, residue mobility, and thermodynamic stability) performed at Invitae indicates that this missense variant is not expected to disrupt ATRX protein function with a negative predictive value of 95%. In summary, the available evidence is currently insufficient to determine the role of this variant in disease. Therefore, it has been classified as a Variant of Uncertain Significance.